The following is an entry in ClinVar:

NM_000391.4(TPP1):c.28C>T (p.Leu10Phe)

Gene: TPP1 (tripeptidyl peptidase 1; minus strand). Cytogenetic location: 11p15.4.
Variant type: single nucleotide variant.
Coding change: c.28C>T on transcript NM_000391.4 (MANE Select); coding-DNA position 28, C replaced by T.
Protein change: p.Leu10Phe; replaces leucine 10 with phenylalanine.
Molecular consequence: missense variant.
Genome position (GRCh38, 1-based): chr11:6,619,257, G>A on the plus strand (C>T on the coding strand, the complement: TPP1 is on the minus strand). VCF-style: chr11-6619257-G-A. GRCh37 (hg19) VCF-style: chr11-6640488-G-A.
Other names: short protein forms L10F.
Identifiers: ClinVar variation 2129672 (VCV002129672.4), dbSNP rs2493802865, ClinGen allele CA379477059.

ClinVar aggregate classification (germline): Uncertain significance (1 of 4 stars; one submission).

Submission:

Labcorp Genetics (formerly Invitae), Labcorp
Classification: Uncertain significance. Last evaluated: 2023-10-13. Review status: criteria provided, single submitter. Criteria: Invitae Variant Classification Sherloc (09022015). Collection method: clinical testing. Allele origin: germline.
Comment: This sequence change replaces leucine, which is neutral and non-polar, with phenylalanine, which is neutral and non-polar, at codon 10 of the TPP1 protein (p.Leu10Phe). This variant is not present in population databases (gnomAD no frequency). This variant has not been reported in the literature in individuals affected with TPP1-related conditions. ClinVar contains an entry for this variant (Variation ID: 2129672). Advanced modeling of protein sequence and biophysical properties (such as structural, functional, and spatial information, amino acid conservation, physicochemical variation, residue mobility, and thermodynamic stability) performed at Invitae indicates that this missense variant is not expected to disrupt TPP1 protein function. In summary, the available evidence is currently insufficient to determine the role of this variant in disease. Therefore, it has been classified as a Variant of Uncertain Significance.